The following is an entry in ClinVar:

NM_003482.4(KMT2D):c.16179C>T (p.Thr5393=)

Gene: KMT2D (lysine methyltransferase 2D; minus strand). Cytogenetic location: 12q13.12.
Variant type: single nucleotide variant.
Coding change: c.16179C>T on transcript NM_003482.4 (MANE Select); coding-DNA position 16179, C replaced by T.
Protein change: p.Thr5393=; no amino-acid change (threonine 5393 retained).
Molecular consequence: synonymous variant.
Genome position (GRCh38, 1-based): chr12:49,022,749, G>A on the plus strand (C>T on the coding strand, the complement: KMT2D is on the minus strand). VCF-style: chr12-49022749-G-A. GRCh37 (hg19) VCF-style: chr12-49416532-G-A.
Other names: c.16179C>T (NM_003482.3).
Identifiers: ClinVar variation 1597562 (VCV001597562.33), dbSNP rs766403520, ClinGen allele CA6545418.
Genomic context (GRCh38, chr12:49,022,749, plus strand): 5'-TGCATAGAGCCCCAGGCCCTGGATACGGGAGCGAGCCAGGTACACGTTGTTCTTCCATTC[G>A]GTGCGCAGCCGCCGGTACTGAGATGACTTGGAGTGCACAAACTGCTTGCTGTAGGGGGTG-3'
Protein context (NP_003473.3, residues 5383-5403): SKSSQYRRLR[Thr5393=]EWKNNVYLAR

ClinVar aggregate classification (germline): Likely benign. Review status: criteria provided, multiple submitters, no conflicts (2 of 4 stars). 3 submissions from 3 submitters: Likely benign (3). Last evaluated 2026-06-04.

Conditions:
Inborn genetic diseases. Identifiers: MedGen C0950123, MeSH D030342.
Kabuki syndrome. Also called: NIIKAWA-KUROKI SYNDROME; Kabuki make-up syndrome. Identifiers: Orphanet 2322, MedGen C0796004, MONDO:0016512.

Allele frequency attached by ClinVar (database versions not stated): TOPMed 0.00001; gnomAD 0.00002; gnomAD exomes 0.00003; ExAC 0.00006.
gnomAD v4.1: 45 of 1,613,852 alleles (0.0028%); highest among the groups gnomAD compares: Non-Finnish European, 0.0036%; no homozygotes.

Submissions (3):

Ambry Genetics
Classification: Likely benign for Inborn genetic diseases. Last evaluated: 2026-06-04. Review status: criteria provided, single submitter. Criteria: Ambry Variant Classification Scheme 2023. Collection method: clinical testing. Allele origin: germline.

Labcorp Genetics (formerly Invitae), Labcorp
Classification: Likely benign for Kabuki syndrome. Last evaluated: 2025-05-07. Review status: criteria provided, single submitter. Criteria: Invitae Variant Classification Sherloc (09022015). Collection method: clinical testing. Allele origin: germline.

CeGaT Center for Human Genetics Tuebingen
Classification: Likely benign. Last evaluated: 2023-04-01. Review status: criteria provided, single submitter. Criteria: CeGaT Center For Human Genetics Tuebingen Variant Classification Criteria Version 2. Collection method: clinical testing. Allele origin: germline. Affected: yes. Observed: 1 variant allele.
Comment: KMT2D: BP4, BP7